The following is an entry in ClinVar:

ClinVar aggregate classification (germline): Uncertain significance (1 of 4 stars; one submission).

Conditions:
Retinitis pigmentosa 71 (RP71). Identifiers: Orphanet 791, MedGen C4225342, MONDO:0014618, OMIM 616394.
Short-rib thoracic dysplasia 10 with or without polydactyly (SRTD10). Identifiers: Orphanet 474, MedGen C3810175, MONDO:0014284, OMIM 615630.

Submission:

Labcorp Genetics (formerly Invitae), Labcorp
Classification: Uncertain significance for Retinitis pigmentosa 71; Short-rib thoracic dysplasia 10 with or without polydactyly. Last evaluated: 2024-10-26. Review status: criteria provided, single submitter. Criteria: Invitae Variant Classification Sherloc (09022015). Collection method: clinical testing. Allele origin: germline.
Comment: This sequence change replaces cysteine, which is neutral and slightly polar, with glycine, which is neutral and non-polar, at codon 1738 of the IFT172 protein (p.Cys1738Gly). This variant is not present in population databases (gnomAD no frequency). This variant has not been reported in the literature in individuals affected with IFT172-related conditions. ClinVar contains an entry for this variant (Variation ID: 842989). Invitae Evidence Modeling of protein sequence and biophysical properties (such as structural, functional, and spatial information, amino acid conservation, physicochemical variation, residue mobility, and thermodynamic stability) has been performed for this missense variant. However, the output from this modeling did not meet the statistical confidence thresholds required to predict the impact of this variant on IFT172 protein function. In summary, the available evidence is currently insufficient to determine the role of this variant in disease. Therefore, it has been classified as a Variant of Uncertain Significance.

NM_015662.3(IFT172):c.5212T>G (p.Cys1738Gly)

Genes: IFT172 (intraflagellar transport 172; minus strand), KRTCAP3 (keratinocyte associated protein 3; plus strand). Cytogenetic location: 2p23.3.
Variant type: single nucleotide variant.
Coding change: c.5212T>G on transcript NM_015662.3 (MANE Select); coding-DNA position 5212, T replaced by G.
Protein change: p.Cys1738Gly; replaces cysteine 1738 with glycine.
Molecular consequence: missense variant. On other transcripts: intron variant (1).
Genome position (GRCh38, 1-based): chr2:27,444,470, A>C on the plus strand (T>G on the coding strand, the complement: IFT172 is on the minus strand). VCF-style: chr2-27444470-A-C. GRCh37 (hg19) VCF-style: chr2-27667337-A-C.
Other names: c.5146T>G, p.Cys1716Gly (NM_001410739.1); c.*5+409A>C (NM_001168364.2); short protein forms C1738G, C1716G.
Identifiers: ClinVar variation 842989 (VCV000842989.11), dbSNP rs1664849569, ClinGen allele CA346409843.